The following is an entry in ClinVar:

ClinVar aggregate classification (germline): Uncertain significance (1 of 4 stars; one submission).

Allele frequency attached by ClinVar (database versions not stated): gnomAD exomes below 0.00001 and 0.00001; gnomAD 0.00003.
gnomAD v4.1: 13 of 1,612,936 alleles (0.00081%); highest among the groups gnomAD compares: African/African-American, 0.012%; no homozygotes.

Submission:

Labcorp Genetics (formerly Invitae), Labcorp
Classification: Uncertain significance. Last evaluated: 2024-10-15. Review status: criteria provided, single submitter. Criteria: Invitae Variant Classification Sherloc (09022015). Collection method: clinical testing. Allele origin: germline.
Comment: This sequence change replaces threonine, which is neutral and polar, with methionine, which is neutral and non-polar, at codon 1942 of the MPDZ protein (p.Thr1942Met). The frequency data for this variant in the population databases is considered unreliable, as metrics indicate poor data quality at this position in the gnomAD database. This variant has not been reported in the literature in individuals affected with MPDZ-related conditions. ClinVar contains an entry for this variant (Variation ID: 1443416). An algorithm developed to predict the effect of missense changes on protein structure and function (PolyPhen-2) suggests that this variant is likely to be disruptive. In summary, the available evidence is currently insufficient to determine the role of this variant in disease. Therefore, it has been classified as a Variant of Uncertain Significance.

NM_001378778.1(MPDZ):c.5912C>T (p.Thr1971Met)

Gene: MPDZ (multiple PDZ domain crumbs cell polarity complex component; minus strand). Cytogenetic location: 9p23.
Variant type: single nucleotide variant.
Coding change: c.5912C>T on transcript NM_001378778.1 (MANE Select); coding-DNA position 5912, C replaced by T.
Protein change: p.Thr1971Met; replaces threonine 1971 with methionine.
Molecular consequence: missense variant.
Genome position (GRCh38, 1-based): chr9:13,109,982, G>A on the plus strand (C>T on the coding strand, the complement: MPDZ is on the minus strand). VCF-style: chr9-13109982-G-A. GRCh37 (hg19) VCF-style: chr9-13109981-G-A.
Other names: c.5813C>T, p.Thr1938Met (NM_001261406.2, NM_001375416.1, NM_001375417.1 and 1 more transcripts); c.5726C>T, p.Thr1909Met (NM_001261407.2, NM_001375419.1); c.5912C>T, p.Thr1971Met (NM_001330637.2); c.6011C>T, p.Thr2004Met (NM_001375413.1); c.5702C>T, p.Thr1901Met (NM_001375420.1, NM_001375421.1, NM_001375422.1 and 2 more transcripts); c.5615C>T, p.Thr1872Met (NM_001375425.1, NM_001375426.1); c.5504C>T, p.Thr1835Met (NM_001375427.1); c.5825C>T, p.Thr1942Met (NM_003829.5); short protein forms T1872M, T1909M, T1942M, T2004M, T1901M, T1938M, T1835M, T1971M.
Identifiers: ClinVar variation 1443416 (VCV001443416.5), dbSNP rs981939723, ClinGen allele CA189267145.